The following is an entry in ClinVar:

ClinVar aggregate classification (germline): Pathogenic (1 of 4 stars; one submission).

Conditions:
Cystinuria (CSNU). Also called: CYSTINURIA, TYPE I; CYSTINURIA, TYPE II; CYSTINURIA, TYPE III; Cystinuria, non-type I. Identifiers: Orphanet 214, MedGen C0010691, MONDO:0009067, OMIM 220100, HP:0003131.

Submission:

Labcorp Genetics (formerly Invitae), Labcorp
Classification: Pathogenic for Cystinuria. Last evaluated: 2021-03-08. Review status: criteria provided, single submitter. Criteria: Invitae Variant Classification Sherloc (09022015). Collection method: clinical testing. Allele origin: germline.
Comment: For these reasons, this variant has been classified as Pathogenic. Isolated whole-gene deletions of SLC3A1 have not been reported in the literature. However, larger copy number events that include this gene have been reported (PMID: 18234729, 28646536, 11524703). A gross deletion of the genomic region encompassing the full coding sequence of the SLC3A1 gene has been identified. Loss-of-function variants in SLC3A1 are known to be pathogenic (PMID: 24610330, 25109415, 25964309). The boundaries of this event are unknown as they extend beyond the assayed region for this gene and therefore may encompass additional genes. If PREPL has been tested and no copy number events are reported for it, then the 3' boundary of this event lies between the PREPL and SLC3A1 genes. If PREPL has not been tested, the 3' end of this event is unknown as it extends beyond the assayed region of this test and may encompass additional genes including the PREPL gene. This is expected to result in an absent or disrupted protein product.

Literature cited by the submitters: PubMed 18234729; PubMed 28646536; PubMed 11524703; PubMed 24610330; PubMed 25109415; PubMed 25964309.

NC_000002.11:g.(?_44502646)_(44586854_?)del

Genes: PREPL (prolyl endopeptidase like; minus strand), SLC3A1 (solute carrier family 3 member 1; plus strand). Cytogenetic location: 2p21.
Variant type: Deletion.
Identifiers: ClinVar variation 1454890 (VCV001454890.6).